The following is an entry in ClinVar:

NM_177438.3(DICER1):c.3249A>G (p.Arg1083=)

Gene: DICER1 (dicer 1, ribonuclease III; minus strand). Cytogenetic location: 14q32.13.
Variant type: single nucleotide variant.
Coding change: c.3249A>G on transcript NM_177438.3 (MANE Select); coding-DNA position 3249, A replaced by G.
Protein change: p.Arg1083=; no amino-acid change (arginine 1083 retained).
Molecular consequence: synonymous variant.
Genome position (GRCh38, 1-based): chr14:95,105,091, T>C on the plus strand (A>G on the coding strand, the complement: DICER1 is on the minus strand). VCF-style: chr14-95105091-T-C. GRCh37 (hg19) VCF-style: chr14-95571428-T-C.
Other names: NM_177438.3(DICER1):c.3249A>G; p.Arg1083=; c.3249A>G, p.Arg1083= (NM_001195573.1, NM_001271282.3, NM_001291628.2 and 1 more transcripts).
Identifiers: ClinVar variation 1044750 (VCV001044750.14), dbSNP rs1291112028, ClinGen allele CA390876326.

ClinVar aggregate classification (germline): Likely benign. Review status: reviewed by expert panel (3 of 4 stars). 4 submissions from 4 submitters: Likely benign (1). 3 of the submissions do not count toward it. Last evaluated 2025-01-07.

Conditions:
DICER1-related tumor predisposition. Also called: DICER1 syndrome; DICER1-related pleuropulmonary blastoma cancer predisposition syndrome. Identifiers: Orphanet 284343, MedGen C3839822, MONDO:0100216.
Hereditary cancer-predisposing syndrome. Also called: Hereditary neoplastic syndrome; Neoplastic Syndromes, Hereditary; Tumor predisposition; Hereditary Cancer Syndrome. Identifiers: Orphanet 140162, MedGen C0027672, MeSH D009386, MONDO:0015356.

Submissions (4):

ClinGen DICER1 and miRNA-Processing Gene Variant Curation Expert Panel, ClinGen
Classification: Likely benign for DICER1-related tumor predisposition. Last evaluated: 2025-01-07. Review status: reviewed by expert panel. Criteria: ClinGen DICER1 ACMG Specifications DICER1 V1.3.0. Collection method: curation. Allele origin: germline. Inheritance: Autosomal dominant inheritance.
Comment: The NM_177438.3:c.3249A>G (p.Arg1083=) variant in DICER1 is a synonymous (silent) variant that is not predicted to impact splicing by MaxEntScan or SpliceAI (BP4, BP7). Although this variant has been observed in germline cases, to our knowledge, this variant has not been reported in individuals with DICER1-related tumor predisposition (PS4 not met; Internal lab contributors). This variant is absent from gnomAD v4.1.0 (PM2_Supporting). In summary, this variant meets the criteria to be classified as likely benign for DICER1-related tumor predisposition based on the ACMG/AMP criteria applied, as specified by the ClinGen DICER1 VCEP: PM2_Supporting, BP4, BP7. (Bayesian Points: -1; VCEP specifications version 1.3.0; 01/07/2025).

Labcorp Genetics (formerly Invitae), Labcorp
Classification: Likely benign for DICER1-related tumor predisposition. Last evaluated: 2023-10-13. Review status: criteria provided, single submitter. Criteria: Invitae Variant Classification Sherloc (09022015). Collection method: clinical testing. Allele origin: germline. Not counted in ClinVar's aggregate classification.

Quest Diagnostics Nichols Institute San Juan Capistrano
Classification: Uncertain significance. Last evaluated: 2023-07-27. Review status: criteria provided, single submitter. Criteria: Quest Diagnostics criteria. Collection method: clinical testing. Allele origin: unknown. Not counted in ClinVar's aggregate classification.
Comment: To the best of our knowledge, this variant has not been reported in the published literature. It also has not been reported in large, multi-ethnic general populations (Genome Aggregation Database). Analysis of this variant using software algorithms for the prediction of the effect of nucleotide changes on splicing yielded predictions that this variant does not affect DICER1 mRNA splicing . Based on the available information, we are unable to determine the clinical significance of this variant.

Ambry Genetics
Classification: Likely benign for Hereditary cancer-predisposing syndrome. Last evaluated: 2021-11-10. Review status: criteria provided, single submitter. Criteria: Ambry Variant Classification Scheme 2023. Collection method: clinical testing. Allele origin: germline. Not counted in ClinVar's aggregate classification.